The following is an entry in ClinVar:

NM_017757.3(ZNF407):c.6444G>A (p.Thr2148=)

Gene: ZNF407 (zinc finger protein 407; plus strand). Cytogenetic location: 18q22.3.
Variant type: single nucleotide variant.
Coding change: c.6444G>A on transcript NM_017757.3 (MANE Select); coding-DNA position 6444, G replaced by A.
Protein change: p.Thr2148=; no amino-acid change (threonine 2148 retained).
Molecular consequence: synonymous variant.
Genome position (GRCh38, 1-based): chr18:75,064,165, G>A. VCF-style: chr18-75064165-G-A. GRCh37 (hg19) VCF-style: chr18-72776121-G-A.
Other names: c.6444G>A, p.Thr2148= (NM_001384475.1).
Identifiers: ClinVar variation 130826 (VCV000130826.7), dbSNP rs3744913, ClinGen allele CA156131.

ClinVar aggregate classification (germline): Benign. Review status: criteria provided, single submitter (1 of 4 stars). 2 submissions from 2 submitters: Benign (1). 1 of the submissions does not count toward it.

Allele frequency attached by ClinVar (database versions not stated): 1000 Genomes Project 30x 0.75187; TOPMed 0.75420; 1000 Genomes Project 0.76038; ESP Exome Variant Server 0.76151; gnomAD 0.76676 and 0.77091; gnomAD exomes 0.82895 and 0.84818; ExAC 0.83219.
gnomAD v4.1: 1,347,593 of 1,603,538 alleles (84%); highest among the groups gnomAD compares: East Asian, 90%; 570,557 homozygotes.

Submissions (2):

Breakthrough Genomics
Classification: Benign. Review status: criteria provided, single submitter. Criteria: ACMG Guidelines, 2015. Collection method: not provided. Allele origin: germline. Inheritance: Autosomal recessive inheritance. Affected: yes.

Genetic Services Laboratory, University of Chicago
Classification: Likely benign for AllHighlyPenetrant. Review status: no assertion criteria provided. Collection method: clinical testing. Allele origin: germline. Inheritance: Autosomal dominant inheritance. Not counted in ClinVar's aggregate classification.
Comment: Likely benign based on allele frequency in 1000 Genomes Project or ESP global frequency and its presence in a patient with a rare or unrelated disease phenotype. NOT Sanger confirmed.